The following is an entry in ClinVar:

ClinVar aggregate classification (germline): Pathogenic. Review status: criteria provided, multiple submitters, no conflicts (2 of 4 stars). 2 submissions from 2 submitters: Pathogenic (2). Last evaluated 2026-03-27.

Conditions:
Cardiovascular phenotype. Identifiers: MedGen CN230736.
X-linked Emery-Dreifuss muscular dystrophy. Also called: Muscular dystrophy, tardive Emery-Dreifuss type, with contractures. Identifiers: Orphanet 261, Orphanet 98863, MedGen C0751337, MONDO:0010680.

Submissions (2):

Ambry Genetics
Classification: Pathogenic for Cardiovascular phenotype. Last evaluated: 2026-03-27. Review status: criteria provided, single submitter. Criteria: Ambry Variant Classification Scheme 2023. Collection method: clinical testing. Allele origin: germline.
Comment: The c.650_654delTGGGC pathogenic mutation, located in coding exon 6 of the EMD gene, results from a deletion of 5 nucleotides at nucleotide positions 650 to 654, causing a translational frameshift with a predicted alternate stop codon (p.L217Pfs*31). This variant occurs at the 3' terminus of the gene, is not expected to trigger nonsense-mediated mRNA decay, and impacts the last 14% of the protein. However, premature stop codons are typically deleterious in nature and the impacted region is critical for protein function and a significant portion of the protein is affected (Ambry internal data). This variant is considered to be rare based on population cohorts in the Genome Aggregation Database (gnomAD). Based on the supporting evidence, this variant is interpreted as a disease-causing mutation.

Labcorp Genetics (formerly Invitae), Labcorp
Classification: Pathogenic for X-linked Emery-Dreifuss muscular dystrophy. Last evaluated: 2020-01-16. Review status: criteria provided, single submitter. Criteria: Invitae Variant Classification Sherloc (09022015). Collection method: clinical testing. Allele origin: germline.
Comment: This variant is not present in population databases (ExAC no frequency). This sequence change results in a premature translational stop signal in the EMD gene (p.Leu217Profs*31). While this is not anticipated to result in nonsense mediated decay, it is expected to disrupt the last 38 amino acids of the EMD protein. This variant has not been reported in the literature in individuals with EMD-related conditions. For these reasons, this variant has been classified as Pathogenic. This variant disrupts the C-terminus of the EMD protein. Other variant(s) that disrupt this region (p.Trp226*) have been determined to be pathogenic (PMID: 8589715, 15967842). This suggests that variants that disrupt this region of the protein are likely to be causative of disease.

Literature cited by the submitters: PubMed 8589715 (cited by Labcorp Genetics (formerly Invitae), Labcorp); PubMed 15967842 (cited by Labcorp Genetics (formerly Invitae), Labcorp).

NM_000117.3(EMD):c.650_654del (p.Leu217fs)

Gene: EMD (emerin; plus strand). Cytogenetic location: Xq28.
Variant type: Microsatellite.
Coding change: c.650_654del on transcript NM_000117.3 (MANE Select); coding-DNA positions 650 to 654, 5 bases deleted (TGGGC; older notation c.650_654delTGGGC).
Protein change: p.Leu217fs; shifts the reading frame from leucine 217.
Molecular consequence: frameshift variant.
Genome position (GRCh38, 1-based): chrX:154,381,082-154,381,086, TGGGC deleted; deleting any 5 consecutive bases within chrX:154,381,073-154,381,086 gives the same sequence; the c. name uses the placement nearest the transcript's 3' end. VCF-style (leftmost placement, unchanged base first): chrX-154381072-GGGGCT-G. GRCh37 (hg19) VCF-style: chrX-153609432-GGGGCT-G.
Other names: c.650_654delTGGGC (NM_000117.2); short protein forms L217fs.
Identifiers: ClinVar variation 1075797 (VCV001075797.11), dbSNP rs730880352, ClinGen allele CA2580612323.